The following is an entry in ClinVar:

ClinVar aggregate classification (germline): Uncertain significance (1 of 4 stars; one submission).

Conditions:
Hepatic veno-occlusive disease-immunodeficiency syndrome. Also called: Hepatic Veno-Occlusive Disease with Immunodeficiency. Identifiers: Orphanet 79124, MedGen C1856128, MONDO:0009338, OMIM 235550. Disease mechanism: loss of function.

Allele frequency attached by ClinVar (database versions not stated): gnomAD 0.00001.
gnomAD v4.1: 1 of 1,562,948 alleles (0.000064%); highest among the groups gnomAD compares: Non-Finnish European, 0.000088%; no homozygotes.

Submission:

Labcorp Genetics (formerly Invitae), Labcorp
Classification: Uncertain significance for Hepatic veno-occlusive disease-immunodeficiency syndrome. Last evaluated: 2022-11-01. Review status: criteria provided, single submitter. Criteria: Invitae Variant Classification Sherloc (09022015). Collection method: clinical testing. Allele origin: germline.
Comment: This sequence change replaces lysine, which is basic and polar, with glutamic acid, which is acidic and polar, at codon 294 of the SP110 protein (p.Lys294Glu). This variant is present in population databases (no rsID available, gnomAD 0.007%). This variant has not been reported in the literature in individuals affected with SP110-related conditions. Algorithms developed to predict the effect of missense changes on protein structure and function output the following: SIFT: "Deleterious"; PolyPhen-2: "Probably Damaging"; Align-GVGD: "Class C0". The glutamic acid amino acid residue is found in multiple mammalian species, which suggests that this missense change does not adversely affect protein function. In summary, the available evidence is currently insufficient to determine the role of this variant in disease. Therefore, it has been classified as a Variant of Uncertain Significance.

NM_080424.4(SP110):c.880A>G (p.Lys294Glu)

Genes: SP110 (SP110 nuclear body protein; minus strand), SP140 (SP140 nuclear body protein; plus strand). Cytogenetic location: 2q37.1.
Variant type: single nucleotide variant.
Coding change: c.880A>G on transcript NM_080424.4 (MANE Select); coding-DNA position 880, A replaced by G.
Protein change: p.Lys294Glu; replaces lysine 294 with glutamic acid.
Molecular consequence: missense variant.
Genome position (GRCh38, 1-based): chr2:230,208,009, T>C on the plus strand (A>G on the coding strand, the complement: SP110 is on the minus strand). VCF-style: chr2-230208009-T-C. GRCh37 (hg19) VCF-style: chr2-231072724-T-C.
Other names: c.898A>G, p.Lys300Glu (NM_001185015.2, NM_001378442.1, NM_001378444.1 and 2 more transcripts); c.880A>G, p.Lys294Glu (NM_001378443.1, NM_001378447.1, NM_004509.5 and 1 more transcripts); short protein forms K300E, K294E.
Identifiers: ClinVar variation 2002582 (VCV002002582.4), dbSNP rs1219629698, ClinGen allele CA350913144.
Genomic context (GRCh38, chr2:230,208,009, plus strand): 5'-GCTGTTTCCAGCCTCCAGCTTCCTCTTGTACTCTCATCTTACCTCCTGGGAGGCTTTTTT[T>C]CTTATGTCTCCTTTTTGGAGTTGACCAGATACATCTTTTTCTTTTCTTTCCTAAAAAGAA-3'
Protein context (NP_536349.3, residues 284-304): IWSTPKRRHK[Lys294Glu]KSLPGGTASS